The following is an entry in ClinVar:

NM_002291.3(LAMB1):c.4578T>A (p.Asn1526Lys)

Gene: LAMB1 (laminin subunit beta 1; minus strand). Cytogenetic location: 7q31.1.
Variant type: single nucleotide variant.
Coding change: c.4578T>A on transcript NM_002291.3 (MANE Select); coding-DNA position 4578, T replaced by A.
Protein change: p.Asn1526Lys; replaces asparagine 1526 with lysine.
Molecular consequence: missense variant.
Genome position (GRCh38, 1-based): chr7:107,929,579, A>T on the plus strand (T>A on the coding strand, the complement: LAMB1 is on the minus strand). VCF-style: chr7-107929579-A-T. GRCh37 (hg19) VCF-style: chr7-107570024-A-T.
Other names: short protein forms N1526K.
Identifiers: ClinVar variation 4803954 (VCV004803954.1).

ClinVar aggregate classification (germline): Uncertain significance (1 of 4 stars; one submission).

Submission:

Labcorp Genetics (formerly Invitae), Labcorp
Classification: Uncertain significance. Last evaluated: 2025-10-21. Review status: criteria provided, single submitter. Criteria: Invitae Variant Classification Sherloc (09022015). Collection method: clinical testing. Allele origin: germline.
Comment: This sequence change replaces asparagine, which is neutral and polar, with lysine, which is basic and polar, at codon 1526 of the LAMB1 protein (p.Asn1526Lys). This variant is not present in population databases (gnomAD no frequency). This variant has not been reported in the literature in individuals affected with LAMB1-related conditions. An algorithm developed to predict the effect of missense changes on protein structure and function (PolyPhen-2) suggests that this variant is likely to be tolerated. In summary, the available evidence is currently insufficient to determine the role of this variant in disease. Therefore, it has been classified as a Variant of Uncertain Significance.